The following is an entry in ClinVar:

ClinVar aggregate classification (germline): Conflicting classifications of pathogenicity. Review status: criteria provided, conflicting classifications (1 of 4 stars). 5 submissions from 5 submitters: Uncertain significance (1); Benign (1); Likely benign (2). 1 of the submissions does not count toward it. Last evaluated 2025-12-21.

Conditions:
X-linked Alport syndrome (ATS1). Also called: NEPHROPATHY AND DEAFNESS, X-LINKED; COL4A5-Related Nephropathy. Identifiers: Orphanet 63, Orphanet 88917, MedGen C4746986, MONDO:0010520, OMIM 301050.
COL4A5-related disorder. Also called: COL4A5-related condition.

Allele frequency attached by ClinVar (database versions not stated): ExAC 0.00008; gnomAD 0.00009; TOPMed 0.00021; ESP Exome Variant Server 0.00028.
gnomAD v4.1: 408 of 1,207,523 alleles (0.034%); highest among the groups gnomAD compares: Non-Finnish European, 0.044%; 1 homozygote.

Submissions (5):

Labcorp Genetics (formerly Invitae), Labcorp
Classification: Benign. Last evaluated: 2025-12-21. Review status: criteria provided, single submitter. Criteria: Invitae Variant Classification Sherloc (09022015). Collection method: clinical testing. Allele origin: germline.

GeneDx
Classification: Uncertain significance. Last evaluated: 2024-11-07. Review status: criteria provided, single submitter. Criteria: GeneDx Variant Classification Process June 2021. Collection method: clinical testing. Allele origin: germline. Affected: yes.
Comment: Observed in hemizygous state in a patient with glomerular disease in the literature (PMID: 31682783); In silico analysis supports that this missense variant has a deleterious effect on protein structure/function; This variant is associated with the following publications: (PMID: 31682783)

PreventionGenetics, part of Exact Sciences
Classification: Likely benign for COL4A5-related condition. Last evaluated: 2024-10-03. Review status: criteria provided, single submitter. Criteria: ACMG Guidelines, 2015. Collection method: clinical testing. Allele origin: germline.
Comment: This variant is classified as likely benign based on ACMG/AMP sequence variant interpretation guidelines (Richards et al. 2015 PMID: 25741868, with internal and published modifications).

CeGaT Center for Human Genetics Tuebingen
Classification: Likely benign. Last evaluated: 2023-05-01. Review status: criteria provided, single submitter. Criteria: CeGaT Center For Human Genetics Tuebingen Variant Classification Criteria Version 2. Collection method: clinical testing. Allele origin: germline. Affected: yes. Observed: 1 variant allele.
Comment: COL4A5: BS2

Natera, Inc.
Classification: Likely benign for X-linked Alport syndrome. Last evaluated: 2020-09-28. Review status: no assertion criteria provided. Collection method: clinical testing. Allele origin: germline. Not counted in ClinVar's aggregate classification.

NM_033380.3(COL4A5):c.4741G>T (p.Ala1581Ser)

Gene: COL4A5 (collagen type IV alpha 5 chain; plus strand). Cytogenetic location: Xq22.3.
Variant type: single nucleotide variant.
Coding change: c.4741G>T on transcript NM_033380.3 (MANE Select); coding-DNA position 4741, G replaced by T.
Protein change: p.Ala1581Ser; replaces alanine 1581 with serine.
Molecular consequence: missense variant.
Genome position (GRCh38, 1-based): chrX:108,694,841, G>T. VCF-style: chrX-108694841-G-T. GRCh37 (hg19) VCF-style: chrX-107938071-G-T.
Other names: c.4741G>T (NM_033380.1); c.4723G>T, p.Ala1575Ser (NM_000495.5); short protein forms A1581S, A1575S.
Identifiers: ClinVar variation 772610 (VCV000772610.39), dbSNP rs151130451, ClinGen allele CA10489416.
Genomic context (GRCh38, chrX:108,694,841, plus strand): 5'-TGTTCCTTCTCCTTTTCCTTTACCAGATGTGCAGTATGTGAAGCTCCAGCTGTGGTGATC[G>T]CAGTTCACAGTCAGACGATCCAGATTCCCCATTGTCCTCAGGGATGGGATTCTCTGTGGA-3'
Protein context (NP_203699.1, residues 1571-1591): AVCEAPAVVI[Ala1581Ser]VHSQTIQIPH